The following is an entry in ClinVar:

NM_000257.4(MYH7):c.2307G>T (p.Leu769=)

Genes: MYH7 (myosin heavy chain 7; minus strand), LOC126861898 (BRD4-independent group 4 enhancer GRCh37_chr14:23893609-23894808; plus strand). Cytogenetic location: 14q11.2.
Variant type: single nucleotide variant.
Coding change: c.2307G>T on transcript NM_000257.4 (MANE Select); coding-DNA position 2307, G replaced by T.
Protein change: p.Leu769=; no amino-acid change (leucine 769 retained).
Molecular consequence: synonymous variant.
Genome position (GRCh38, 1-based): chr14:23,425,398, C>A on the plus strand (G>T on the coding strand, the complement: MYH7 is on the minus strand). VCF-style: chr14-23425398-C-A. GRCh37 (hg19) VCF-style: chr14-23894607-C-A.
Other names: c.2307G>T, p.Leu769= (NM_001407004.1).
Identifiers: ClinVar variation 3073209 (VCV003073209.1), dbSNP rs2502286230, ClinGen allele CA485622874.

ClinVar aggregate classification (germline): Likely benign (1 of 4 stars; one submission).

Conditions:
Cardiomyopathy (CMYO). Also called: Cardiomyopathies. Identifiers: Orphanet 167848, MedGen C0878544, MONDO:0004994, HP:0001638. Inheritance: Various modes of inheritance.

Submission:

All of Us Research Program, National Institutes of Health
Classification: Likely benign for Cardiomyopathy. Last evaluated: 2023-08-28. Review status: criteria provided, single submitter. Criteria: ACMG Guidelines, 2015. Collection method: clinical testing. Allele origin: germline. Inheritance: Autosomal dominant inheritance. Observed: 1 variant allele, 1 heterozygote.
Comment: This study involves interpretation of variants in research participants for the purpose of population health screening. Participant phenotype was not available at the time of variant classification. Additional details can be found in publication PMID: 35346344, PMCID: PMC8962531